The following is an entry in ClinVar:

NM_001349338.3(FOXP1):c.1975C>G (p.Pro659Ala)

Gene: FOXP1 (forkhead box P1; minus strand). Cytogenetic location: 3p13.
Variant type: single nucleotide variant.
Coding change: c.1975C>G on transcript NM_001349338.3 (MANE Select); coding-DNA position 1975, C replaced by G.
Protein change: p.Pro659Ala; replaces proline 659 with alanine.
Molecular consequence: missense variant. On other transcripts: non-coding transcript variant (2).
Genome position (GRCh38, 1-based): chr3:70,959,306, G>C on the plus strand (C>G on the coding strand, the complement: FOXP1 is on the minus strand). VCF-style: chr3-70959306-G-C. GRCh37 (hg19) VCF-style: chr3-71008457-G-C.
Other names: c.1972C>G, p.Pro658Ala (NM_001244808.3, NM_001349341.3); c.2023C>G, p.Pro675Ala (NM_001244810.2); c.1747C>G, p.Pro583Ala (NM_001244812.3); c.1675C>G, p.Pro559Ala (NM_001244813.3, NM_001244815.2, NM_001349342.3); c.1975C>G, p.Pro659Ala (NM_001244814.3, NM_001244816.2, NM_001349340.3 and 1 more transcripts); c.1672C>G, p.Pro558Ala (NM_001349337.2, NM_001349343.3, NM_001349344.3 and 1 more transcripts); short protein forms P658A, P675A, P559A, P558A, P659A, P583A.
Identifiers: ClinVar variation 3008797 (VCV003008797.3), dbSNP rs2544830886, ClinGen allele CA353488488.
Genomic context (GRCh38, chr3:70,959,306, plus strand): 5'-GTCACTCCATGTCCTCGTTTACTGGTTCATCTTCGTAATCTCTGTCATGGTCAAAATCTG[G>C]ACTGTGGTTGGCTGTTGTCACTAAGGACAGGGGCCCTTCAGCTTCCTCTGGATCGAGGGG-3'
Protein context (NP_001336267.1, residues 649-669): LSLVTTANHS[Pro659Ala]DFDHDRDYED

ClinVar aggregate classification (germline): Uncertain significance (1 of 4 stars; one submission).

Submission:

Labcorp Genetics (formerly Invitae), Labcorp
Classification: Uncertain significance. Last evaluated: 2023-12-14. Review status: criteria provided, single submitter. Criteria: Invitae Variant Classification Sherloc (09022015). Collection method: clinical testing. Allele origin: germline.
Comment: This sequence change replaces proline, which is neutral and non-polar, with alanine, which is neutral and non-polar, at codon 659 of the FOXP1 protein (p.Pro659Ala). This variant is not present in population databases (gnomAD no frequency). This variant has not been reported in the literature in individuals affected with FOXP1-related conditions. Advanced modeling of protein sequence and biophysical properties (such as structural, functional, and spatial information, amino acid conservation, physicochemical variation, residue mobility, and thermodynamic stability) performed at Invitae indicates that this missense variant is not expected to disrupt FOXP1 protein function with a negative predictive value of 80%. In summary, the available evidence is currently insufficient to determine the role of this variant in disease. Therefore, it has been classified as a Variant of Uncertain Significance.